The following is an entry in ClinVar:

NM_032444.4(SLX4):c.4703T>C (p.Ile1568Thr)

Gene: SLX4 (SLX4 structure-specific endonuclease subunit; minus strand). Cytogenetic location: 16p13.3.
Variant type: single nucleotide variant.
Coding change: c.4703T>C on transcript NM_032444.4 (MANE Select); coding-DNA position 4703, T replaced by C.
Protein change: p.Ile1568Thr; replaces isoleucine 1568 with threonine.
Molecular consequence: missense variant.
Genome position (GRCh38, 1-based): chr16:3,584,805, A>G on the plus strand (T>C on the coding strand, the complement: SLX4 is on the minus strand). VCF-style: chr16-3584805-A-G. GRCh37 (hg19) VCF-style: chr16-3634806-A-G.
Other names: short protein forms I1568T.
Identifiers: ClinVar variation 1397866 (VCV001397866.6), dbSNP rs377185661, ClinGen allele CA7865546.

ClinVar aggregate classification (germline): Uncertain significance (1 of 4 stars; one submission).

Conditions:
Fanconi anemia (FA). Also called: Fanconi's anemia. Identifiers: Orphanet 84, MedGen C0015625, MeSH D005199, MONDO:0019391.

Allele frequency attached by ClinVar (database versions not stated): gnomAD exomes below 0.00001; TOPMed below 0.00001; ExAC 0.00001; ESP Exome Variant Server 0.00008.
gnomAD v4.1: 6 of 1,614,140 alleles (0.00037%); highest among the groups gnomAD compares: Non-Finnish European, 0.00051%; no homozygotes.

Submission:

Labcorp Genetics (formerly Invitae), Labcorp
Classification: Uncertain significance for Fanconi anemia. Last evaluated: 2023-10-13. Review status: criteria provided, single submitter. Criteria: Invitae Variant Classification Sherloc (09022015). Collection method: clinical testing. Allele origin: germline.
Comment: This sequence change replaces isoleucine, which is neutral and non-polar, with threonine, which is neutral and polar, at codon 1568 of the SLX4 protein (p.Ile1568Thr). This variant is present in population databases (rs377185661, gnomAD 0.0009%). This variant has not been reported in the literature in individuals affected with SLX4-related conditions. ClinVar contains an entry for this variant (Variation ID: 1397866). An algorithm developed to predict the effect of missense changes on protein structure and function (PolyPhen-2) suggests that this variant is likely to be disruptive. In summary, the available evidence is currently insufficient to determine the role of this variant in disease. Therefore, it has been classified as a Variant of Uncertain Significance.